The following is an entry in ClinVar:

ClinVar aggregate classification (germline): Pathogenic. Review status: criteria provided, multiple submitters, no conflicts (2 of 4 stars). 3 submissions from 3 submitters: Pathogenic (3). Last evaluated 2024-06-24.

Conditions:
Basal cell nevus syndrome 1 (BCNS1). Also called: GORLIN-GOLTZ SYNDROME; MULTIPLE BASAL CELL NEVI, ODONTOGENIC KERATOCYSTS, AND SKELETAL ANOMALIES. Identifiers: MedGen CN376810, MONDO:0958174, OMIM 109400.
Gorlin syndrome. Also called: Nevoid Basal Cell Carcinoma Syndrome; Basal cell nevus syndrome. Identifiers: Orphanet 377, MedGen C0004779, MONDO:0007187.

Submissions (3):

Laboratoire de Génétique Moléculaire, CHU Bordeaux
Classification: Pathogenic for Basal cell nevus syndrome 1. Last evaluated: 2024-06-24. Review status: criteria provided, single submitter. Criteria: ACMG Guidelines, 2015. Collection method: clinical testing. Allele origin: germline. Affected: yes.

Labcorp Genetics (formerly Invitae), Labcorp
Classification: Pathogenic for Gorlin syndrome. Last evaluated: 2020-10-27. Review status: criteria provided, single submitter. Criteria: Invitae Variant Classification Sherloc (09022015). Collection method: clinical testing. Allele origin: germline.
Comment: This sequence change creates a premature translational stop signal (p.Tyr93*) in the PTCH1 gene. It is expected to result in an absent or disrupted protein product. Loss-of-function variants in PTCH1 are known to be pathogenic (PMID: 16301862, 16419085). This variant is not present in population databases (ExAC no frequency). This nonsense change has been observed in individual(s) with basal cell nevus syndrome (PMID: 29575684, 11457640, 30411536). ClinVar contains an entry for this variant (Variation ID: 816995). For these reasons, this variant has been classified as Pathogenic.

GeneDx
Classification: Pathogenic. Last evaluated: 2018-08-28. Review status: criteria provided, single submitter. Criteria: GeneDx Variant Classification (06012015). Collection method: clinical testing. Allele origin: germline. Affected: yes.
Comment: The c.278dupA variant in the PTCH1 gene has been reported previously in an individual meeting diagnostic criteria for Basal Cell Nevus Syndrome (Akbari et al., 2018). This variant is not observed in large population cohorts (Lek et al., 2016). The c.278dupA variant causes a frameshift at codon Tyrosine 93, which changes this amino acid to a premature stop codon (TAC>TAA) and creates a nonsense variant, denoted p.Tyr93Ter (Y93X). This variant is predicted to cause loss of normal protein function through either protein truncation or nonsense-mediated mRNA decay. We interpret c.278dupA as a pathogenic variant.

Literature cited by the submitters: PubMed 16301862 (cited by Labcorp Genetics (formerly Invitae), Labcorp); PubMed 16419085 (cited by Labcorp Genetics (formerly Invitae), Labcorp); PubMed 29575684 (cited by Labcorp Genetics (formerly Invitae), Labcorp); PubMed 11457640 (cited by Labcorp Genetics (formerly Invitae), Labcorp); PubMed 30411536 (cited by Labcorp Genetics (formerly Invitae), Labcorp).

NM_000264.5(PTCH1):c.278dup (p.Tyr93Ter)

Gene: PTCH1 (patched 1; minus strand). Cytogenetic location: 9q22.32.
Variant type: Duplication.
Coding change: c.278dup on transcript NM_000264.5 (MANE Select); coding-DNA position 278, one base duplicated (A; older notation c.278dupA).
Protein change: p.Tyr93Ter; replaces tyrosine 93 with a stop codon.
Molecular consequence: nonsense. On other transcripts: 5 prime UTR variant (4), non-coding transcript variant (1).
Genome position (GRCh38, 1-based): chr9:95,506,523, T duplicated on the plus strand (A on the coding strand, the reverse complement: PTCH1 is on the minus strand). VCF-style (leftmost placement, unchanged base first): chr9-95506522-G-GT. GRCh37 (hg19) VCF-style: chr9-98268804-G-GT.
Other names: c.80dup, p.Tyr27Ter (NM_001083602.3, NM_001354919.2); c.275dup, p.Tyr92Ter (NM_001083603.3); c.-176dup (NM_001083604.3, NM_001083605.3, NM_001083606.3 and 1 more transcripts); c.278dup, p.Tyr93Ter (NM_001354918.2); c.278dupA (NM_000264.5); short protein forms Y92*, Y93*, Y27*.
Identifiers: ClinVar variation 816995 (VCV000816995.11), dbSNP rs1587693544, ClinGen allele CA645560461.